The following is an entry in ClinVar:

ClinVar aggregate classification (germline): Uncertain significance (1 of 4 stars; one submission).

Conditions:
Hereditary pancreatitis (PCTT). Also called: Hereditary chronic pancreatitis; PRSS1-Related Hereditary Pancreatitis. Identifiers: Orphanet 676, MedGen C0238339, MONDO:0008185, OMIM 167800.

Submission:

Ambry Genetics
Classification: Uncertain significance for Hereditary pancreatitis. Last evaluated: 2025-11-08. Review status: criteria provided, single submitter. Criteria: Ambry Variant Classification Scheme 2023. Collection method: clinical testing. Allele origin: germline.
Comment: The p.D260E variant (also known as c.780C>G), located in coding exon 7 of the CTRC gene, results from a C to G substitution at nucleotide position 780. The aspartic acid at codon 260 is replaced by glutamic acid, an amino acid with highly similar properties. This amino acid position is conserved. In addition, the in silico prediction for this alteration is inconclusive. Based on the available evidence, the clinical significance of this variant remains unclear.

NM_007272.3(CTRC):c.780C>G (p.Asp260Glu)

Gene: CTRC (chymotrypsin C; plus strand). Cytogenetic location: 1p36.21.
Variant type: single nucleotide variant.
Coding change: c.780C>G on transcript NM_007272.3 (MANE Select); coding-DNA position 780, C replaced by G.
Protein change: p.Asp260Glu; replaces aspartic acid 260 with glutamic acid.
Molecular consequence: missense variant.
Genome position (GRCh38, 1-based): chr1:15,445,737, C>G. VCF-style: chr1-15445737-C-G. GRCh37 (hg19) VCF-style: chr1-15772232-C-G.
Other names: short protein forms D260E.
Identifiers: ClinVar variation 4560244 (VCV004560244.1).